The following is an entry in ClinVar:

ClinVar aggregate classification (germline): Uncertain significance (1 of 4 stars; one submission).

Conditions:
EGFR-related lung cancer (EGFR). Identifiers: MedGen CN130014.

Submission:

Labcorp Genetics (formerly Invitae), Labcorp
Classification: Uncertain significance for EGFR-related lung cancer. Last evaluated: 2023-02-02. Review status: criteria provided, single submitter. Criteria: Invitae Variant Classification Sherloc (09022015). Collection method: clinical testing. Allele origin: germline.
Comment: In summary, the available evidence is currently insufficient to determine the role of this variant in disease. Therefore, it has been classified as a Variant of Uncertain Significance. Algorithms developed to predict the effect of missense changes on protein structure and function (SIFT, PolyPhen-2, Align-GVGD) all suggest that this variant is likely to be tolerated. This variant has not been reported in the literature in individuals affected with EGFR-related conditions. This variant is not present in population databases (gnomAD no frequency). This sequence change replaces asparagine, which is neutral and polar, with tyrosine, which is neutral and polar, at codon 182 of the EGFR protein (p.Asn182Tyr).

NM_005228.5(EGFR):c.544A>T (p.Asn182Tyr)

Gene: EGFR (epidermal growth factor receptor; plus strand). Cytogenetic location: 7p11.2.
Variant type: single nucleotide variant.
Coding change: c.544A>T on transcript NM_005228.5 (MANE Select); coding-DNA position 544, A replaced by T.
Protein change: p.Asn182Tyr; replaces asparagine 182 with tyrosine.
Molecular consequence: missense variant. On other transcripts: intron variant (3).
Genome position (GRCh38, 1-based): chr7:55,146,725, A>T. VCF-style: chr7-55146725-A-T. GRCh37 (hg19) VCF-style: chr7-55214418-A-T.
Other names: c.544A>T, p.Asn182Tyr (NM_001346898.2, NM_201282.2, NM_201283.2 and 1 more transcripts); c.385A>T, p.Asn129Tyr (NM_001346900.2); c.424+3237A>T (NM_001346899.2, NM_001346897.2); c.89-9105A>T (NM_001346941.2); short protein forms N182Y, N129Y.
Identifiers: ClinVar variation 2833876 (VCV002833876.3), dbSNP rs2128929626, ClinGen allele CA367576731.